The following is an entry in ClinVar:

NM_001134363.3(RBM20):c.1057G>C (p.Glu353Gln)

Gene: RBM20 (RNA binding motif protein 20; plus strand). Cytogenetic location: 10q25.2.
Variant type: single nucleotide variant.
Coding change: c.1057G>C on transcript NM_001134363.3 (MANE Select); coding-DNA position 1057, G replaced by C.
Protein change: p.Glu353Gln; replaces glutamic acid 353 with glutamine.
Molecular consequence: missense variant.
Genome position (GRCh38, 1-based): chr10:110,781,666, G>C. VCF-style: chr10-110781666-G-C. GRCh37 (hg19) VCF-style: chr10-112541424-G-C.
Other names: short protein forms E353Q.
Identifiers: ClinVar variation 3636963 (VCV003636963.2).
Genomic context (GRCh38, chr10:110,781,666, plus strand): 5'-CTCACAGCAGGTCCCATGTGGCCTCCACCCCACAACCAGCCCTATGAGCTGTACGACCCC[G>C]AGGAACCAACCTCAGACAGGACACCTCCTTCCTTCGGGGGTCGGCTTAACAACAGCAAAC-3'
Protein context (NP_001127835.2, residues 343-363): HNQPYELYDP[Glu353Gln]EPTSDRTPPS

ClinVar aggregate classification (germline): Uncertain significance (1 of 4 stars; one submission).

Conditions:
Dilated cardiomyopathy 1DD (CMD1DD). Identifiers: Orphanet 154, MedGen C2750995, MONDO:0013168, OMIM 613172.

Submission:

Labcorp Genetics (formerly Invitae), Labcorp
Classification: Uncertain significance for Dilated cardiomyopathy 1DD. Last evaluated: 2024-07-16. Review status: criteria provided, single submitter. Criteria: Invitae Variant Classification Sherloc (09022015). Collection method: clinical testing. Allele origin: germline.
Comment: This sequence change replaces glutamic acid, which is acidic and polar, with glutamine, which is neutral and polar, at codon 353 of the RBM20 protein (p.Glu353Gln). This variant is not present in population databases (gnomAD no frequency). This variant has not been reported in the literature in individuals affected with RBM20-related conditions. Advanced modeling of protein sequence and biophysical properties (such as structural, functional, and spatial information, amino acid conservation, physicochemical variation, residue mobility, and thermodynamic stability) performed at Invitae indicates that this missense variant is not expected to disrupt RBM20 protein function with a negative predictive value of 95%. In summary, the available evidence is currently insufficient to determine the role of this variant in disease. Therefore, it has been classified as a Variant of Uncertain Significance.